The following is an entry in ClinVar:

ClinVar aggregate classification (germline): Uncertain significance. Review status: criteria provided, multiple submitters, no conflicts (2 of 4 stars). 2 submissions from 2 submitters: Uncertain significance (2). Last evaluated 2024-08-11.

Conditions:
Inborn genetic diseases. Identifiers: MedGen C0950123, MeSH D030342.

Allele frequency attached by ClinVar (database versions not stated): gnomAD exomes below 0.00001; ExAC 0.00001; gnomAD 0.00001; TOPMed 0.00002.
gnomAD v4.1: 9 of 1,613,224 alleles (0.00056%); highest among the groups gnomAD compares: Admixed American, 0.0033%; no homozygotes.

Submissions (2):

Ambry Genetics
Classification: Uncertain significance for Inborn genetic diseases. Last evaluated: 2024-08-11. Review status: criteria provided, single submitter. Criteria: Ambry Variant Classification Scheme 2023. Collection method: clinical testing. Allele origin: germline.

Labcorp Genetics (formerly Invitae), Labcorp
Classification: Uncertain significance. Last evaluated: 2023-07-07. Review status: criteria provided, single submitter. Criteria: Invitae Variant Classification Sherloc (09022015). Collection method: clinical testing. Allele origin: germline.
Comment: An algorithm developed to predict the effect of missense changes on protein structure and function (PolyPhen-2) suggests that this variant is likely to be tolerated. ClinVar contains an entry for this variant (Variation ID: 1426636). This variant has not been reported in the literature in individuals affected with MPDZ-related conditions. This variant is present in population databases (rs754898988, gnomAD 0.003%). This sequence change replaces valine, which is neutral and non-polar, with methionine, which is neutral and non-polar, at codon 1324 of the MPDZ protein (p.Val1324Met). In summary, the available evidence is currently insufficient to determine the role of this variant in disease. Therefore, it has been classified as a Variant of Uncertain Significance.

NM_001378778.1(MPDZ):c.3970G>A (p.Val1324Met)

Gene: MPDZ (multiple PDZ domain crumbs cell polarity complex component; minus strand). Cytogenetic location: 9p23.
Variant type: single nucleotide variant.
Coding change: c.3970G>A on transcript NM_001378778.1 (MANE Select); coding-DNA position 3970, G replaced by A.
Protein change: p.Val1324Met; replaces valine 1324 with methionine.
Molecular consequence: missense variant.
Genome position (GRCh38, 1-based): chr9:13,140,020, C>T on the plus strand (G>A on the coding strand, the complement: MPDZ is on the minus strand). VCF-style: chr9-13140020-C-T. GRCh37 (hg19) VCF-style: chr9-13140019-C-T.
Other names: c.3871G>A, p.Val1291Met (NM_001261406.2, NM_001261407.2, NM_001375416.1 and 3 more transcripts); c.3970G>A, p.Val1324Met (NM_001330637.2, NM_001375413.1, NM_003829.5); c.3760G>A, p.Val1254Met (NM_001375420.1, NM_001375421.1, NM_001375422.1 and 4 more transcripts); c.3562G>A, p.Val1188Met (NM_001375427.1); c.3970G>A (NM_003829.3); short protein forms V1254M, V1188M, V1291M, V1324M.
Identifiers: ClinVar variation 1426636 (VCV001426636.7), dbSNP rs754898988, ClinGen allele CA4986898.
Genomic context (GRCh38, chr9:13,140,020, plus strand): 5'-TAAATGCATCACAAAAACACAACTTACTCCAGCTGTAACCAAACTCATCCTCTTTGTCCA[C>T]ATCTTGTGAGATTTTGCTTGCAGATGACTGTGTGTGATCACTACCCATTTCGGCAAAGGC-3'
Protein context (NP_001365707.1, residues 1314-1334): QSSASKISQD[Val1324Met]DKEDEFGYSW